The following is an entry in ClinVar:

ClinVar aggregate classification (germline): Uncertain significance (1 of 4 stars; one submission).

Submission:

Labcorp Genetics (formerly Invitae), Labcorp
Classification: Uncertain significance. Last evaluated: 2023-07-03. Review status: criteria provided, single submitter. Criteria: Invitae Variant Classification Sherloc (09022015). Collection method: clinical testing. Allele origin: germline.
Comment: In summary, the available evidence is currently insufficient to determine the role of this variant in disease. Therefore, it has been classified as a Variant of Uncertain Significance. An algorithm developed to predict the effect of missense changes on protein structure and function (PolyPhen-2) suggests that this variant is likely to be tolerated. This variant has not been reported in the literature in individuals affected with NEXMIF-related conditions. This variant is not present in population databases (gnomAD no frequency). This sequence change replaces leucine, which is neutral and non-polar, with proline, which is neutral and non-polar, at codon 65 of the NEXMIF protein (p.Leu65Pro).

NM_001008537.3(NEXMIF):c.194T>C (p.Leu65Pro)

Gene: NEXMIF (neurite extension and migration factor; minus strand). Cytogenetic location: Xq13.3.
Variant type: single nucleotide variant.
Coding change: c.194T>C on transcript NM_001008537.3 (MANE Select); coding-DNA position 194, T replaced by C.
Protein change: p.Leu65Pro; replaces leucine 65 with proline.
Molecular consequence: missense variant.
Genome position (GRCh38, 1-based): chrX:74,744,363, A>G on the plus strand (T>C on the coding strand, the complement: NEXMIF is on the minus strand). VCF-style: chrX-74744363-A-G. GRCh37 (hg19) VCF-style: chrX-73964198-A-G.
Other names: short protein forms L65P.
Identifiers: ClinVar variation 2902689 (VCV002902689.3), dbSNP rs2519916981, ClinGen allele CA413674120.